The following is an entry in ClinVar:

NM_001048174.2(MUTYH):c.668C>T (p.Ala223Val)

Gene: MUTYH (mutY DNA glycosylase; minus strand). Cytogenetic location: 1p34.1.
Variant type: single nucleotide variant.
Coding change: c.668C>T on transcript NM_001048174.2 (MANE Select); coding-DNA position 668, C replaced by T.
Protein change: p.Ala223Val; replaces alanine 223 with valine.
Molecular consequence: missense variant. On other transcripts: non-coding transcript variant (7).
Genome position (GRCh38, 1-based): chr1:45,332,427, G>A on the plus strand (C>T on the coding strand, the complement: MUTYH is on the minus strand). VCF-style: chr1-45332427-G-A. GRCh37 (hg19) VCF-style: chr1-45798099-G-A.
Other names: c.668C>T, p.Ala223Val (NM_001048171.2, NM_001048173.2, NM_001293195.2 and 6 more transcripts); c.671C>T, p.Ala224Val (NM_001048172.2, NM_001407071.1, NM_001407078.1 and 1 more transcripts); c.752C>T, p.Ala251Val (NM_001128425.2); c.713C>T, p.Ala238Val (NM_001293190.2); c.701C>T, p.Ala234Val (NM_001293191.2, NM_001407069.1, NM_001407077.1); c.392C>T, p.Ala131Val (NM_001293192.2, NM_001293196.2, NM_001407091.1); c.323C>T, p.Ala108Val (NM_001350650.2, NM_001350651.2, NM_001407082.1); c.584C>T, p.Ala195Val (NM_001407075.1); and 5 more; short protein forms A230V, A210V, A234V, A248V, A251V, A108V, A195V, A209V.
Identifiers: ClinVar variation 4825337 (VCV004825337.1).

ClinVar aggregate classification (germline): Uncertain significance (1 of 4 stars; one submission).

Conditions:
Hereditary cancer-predisposing syndrome. Also called: Neoplastic Syndromes, Hereditary; Tumor predisposition; Hereditary Cancer Syndrome; Hereditary neoplastic syndrome. Identifiers: Orphanet 140162, MedGen C0027672, MeSH D009386, MONDO:0015356.

Submission:

Ambry Genetics
Classification: Uncertain significance for Hereditary cancer-predisposing syndrome. Last evaluated: 2026-02-18. Review status: criteria provided, single submitter. Criteria: Ambry Variant Classification Scheme 2023. Collection method: clinical testing. Allele origin: germline.
Comment: The p.A251V variant (also known as c.752C>T), located in coding exon 9 of the MUTYH gene, results from a C to T substitution at nucleotide position 752. The alanine at codon 251 is replaced by valine, an amino acid with similar properties. In a massively parallel cell-based functional assay testing 7,8-dihydro-8-oxoguanine:adenine (8OG:A) repair activity, a byproduct of oxidative damage, this variant was reported to be inconclusive (Hemker SL et al. Am J Hum Genet, 2025 Sep;112:2010-2026).This amino acid position is highly conserved in available vertebrate species. In addition, the in silico prediction for this alteration is inconclusive. Based on the available evidence, the clinical significance of this variant remains unclear.

Literature cited by the submitters: PubMed 40738107.